The following is an entry in ClinVar:

NM_153717.3(EVC):c.1720C>G (p.Arg574Gly)

Gene: EVC (EvC ciliary complex subunit 1; plus strand). Cytogenetic location: 4p16.2.
Variant type: single nucleotide variant.
Coding change: c.1720C>G on transcript NM_153717.3 (MANE Select); coding-DNA position 1720, C replaced by G.
Protein change: p.Arg574Gly; replaces arginine 574 with glycine.
Molecular consequence: missense variant.
Genome position (GRCh38, 1-based): chr4:5,783,708, C>G. VCF-style: chr4-5783708-C-G. GRCh37 (hg19) VCF-style: chr4-5785435-C-G.
Other names: c.1720C>G, p.Arg574Gly (NM_001306090.2); short protein forms R574G.
Identifiers: ClinVar variation 1409644 (VCV001409644.4), dbSNP rs141820870, ClinGen allele CA2836233.
Genomic context (GRCh38, chr4:5,783,708, plus strand): 5'-TGTGACTACTTGAGGCAGGAAGTCCAGGAGAACGCTGCCTGGCAGCTGGGGAAGTCAAAT[C>G]GCTTCCGGAGGCAGCAGTGGAAACTCTTCCAGGAGCTCCTAGAGCAAGACCAGCAGGTGC-3'
Protein context (NP_714928.1, residues 564-584): NAAWQLGKSN[Arg574Gly]FRRQQWKLFQ

ClinVar aggregate classification (germline): Uncertain significance (1 of 4 stars; one submission).

Conditions:
Ellis-van Creveld syndrome (EVC). Also called: MESOECTODERMAL DYSPLASIA; Chondroectodermal dysplasia; EVC-Related Ellis-van Creveld Syndrome; EVC2-Related Ellis-van Creveld Syndrome. Identifiers: Orphanet 289, MedGen C0013903, MONDO:0009162, OMIM 225500.
Curry-Hall syndrome (WAD). Also called: WEYERS ACRODENTAL DYSOSTOSIS. Identifiers: Orphanet 952, MedGen C0457013, MONDO:0008673, OMIM 193530.

gnomAD v4.1: 129 of 1,613,982 alleles (0.008%); highest among the groups gnomAD compares: East Asian, 0.15%; no homozygotes.

Submission:

Labcorp Genetics (formerly Invitae), Labcorp
Classification: Uncertain significance for Curry-Hall syndrome; Ellis-van Creveld syndrome. Last evaluated: 2021-10-27. Review status: criteria provided, single submitter. Criteria: Invitae Variant Classification Sherloc (09022015). Collection method: clinical testing. Allele origin: germline.
Comment: This sequence change replaces arginine, a(n) basic and polar amino acid, with glycine, a(n) neutral and non-polar amino acid, at codon 574 of the EVC protein (p.Arg574Gly). This variant is present in population databases (rs141820870, gnomAD 0.005%). This variant has not been reported in the literature in individuals affected with EVC-related conditions. Algorithms developed to predict the effect of missense changes on protein structure and function are either unavailable or do not agree on the potential impact of this missense change (SIFT: "Tolerated"; PolyPhen-2: "Possibly Damaging"; Align-GVGD: "Class C0"). In summary, the available evidence is currently insufficient to determine the role of this variant in disease. Therefore, it has been classified as a Variant of Uncertain Significance.